The following is an entry in ClinVar:

NM_194454.3(KRIT1):c.1208A>G (p.Asn403Ser)

Gene: KRIT1 (KRIT1 ankyrin repeat containing; minus strand). Cytogenetic location: 7q21.2.
Variant type: single nucleotide variant.
Coding change: c.1208A>G on transcript NM_194454.3 (MANE Select); coding-DNA position 1208, A replaced by G.
Protein change: p.Asn403Ser; replaces asparagine 403 with serine.
Molecular consequence: missense variant.
Genome position (GRCh38, 1-based): chr7:92,225,766, T>C on the plus strand (A>G on the coding strand, the complement: KRIT1 is on the minus strand). VCF-style: chr7-92225766-T-C. GRCh37 (hg19) VCF-style: chr7-91855080-T-C.
Other names: c.1064A>G, p.Asn355Ser (NM_001013406.2, NM_001350669.1, NM_001350670.1); c.494A>G, p.Asn165Ser (NM_001350671.1); c.1208A>G, p.Asn403Ser (NM_001350672.1, NM_001350673.1, NM_001350674.1 and 26 more transcripts); short protein forms N355S, N165S, N403S.
Identifiers: ClinVar variation 1355647 (VCV001355647.8), dbSNP rs760935725, ClinGen allele CA4339177.

ClinVar aggregate classification (germline): Uncertain significance. Review status: criteria provided, multiple submitters, no conflicts (2 of 4 stars). 2 submissions from 2 submitters: Uncertain significance (2). Last evaluated 2025-09-09.

Conditions:
Inborn genetic diseases. Identifiers: MedGen C0950123, MeSH D030342.
Cerebral cavernous malformation (CCM). Also called: Cerebral cavernous malformations; CEREBRAL CAPILLARY MALFORMATIONS; Cavernous Hemangioma of Brain; Cerebral cavernous hemangioma (type); CAVERNOUS ANGIOMA, FAMILIAL; CAVERNOUS ANGIOMATOUS MALFORMATIONS. Identifiers: Orphanet 221061, MedGen C2919945, MONDO:0000820, OMIM 116860, HP:0033522.

Allele frequency attached by ClinVar (database versions not stated): gnomAD exomes below 0.00001; ExAC 0.00001; gnomAD 0.00001.
gnomAD v4.1: 5 of 1,610,794 alleles (0.00031%); highest among the groups gnomAD compares: South Asian, 0.0022%; no homozygotes.

Submissions (2):

Ambry Genetics
Classification: Uncertain significance for Inborn genetic diseases. Last evaluated: 2025-09-09. Review status: criteria provided, single submitter. Criteria: Ambry Variant Classification Scheme 2023. Collection method: clinical testing. Allele origin: germline.

Labcorp Genetics (formerly Invitae), Labcorp
Classification: Uncertain significance for Cerebral cavernous malformation. Last evaluated: 2020-12-11. Review status: criteria provided, single submitter. Criteria: Invitae Variant Classification Sherloc (09022015). Collection method: clinical testing. Allele origin: germline.
Comment: This variant has not been reported in the literature in individuals with KRIT1-related conditions. This variant is present in population databases (rs760935725, ExAC 0.006%). This sequence change replaces asparagine with serine at codon 403 of the KRIT1 protein (p.Asn403Ser). The asparagine residue is moderately conserved and there is a small physicochemical difference between asparagine and serine. In summary, the available evidence is currently insufficient to determine the role of this variant in disease. Therefore, it has been classified as a Variant of Uncertain Significance. Algorithms developed to predict the effect of missense changes on protein structure and function (SIFT, PolyPhen-2, Align-GVGD) all suggest that this variant is likely to be tolerated, but these predictions have not been confirmed by published functional studies and their clinical significance is uncertain.